The following is an entry in ClinVar:

NM_000355.4(TCN2):c.565G>A (p.Gly189Ser)

Gene: TCN2 (transcobalamin 2; plus strand). Cytogenetic location: 22q12.2.
Variant type: single nucleotide variant.
Coding change: c.565G>A on transcript NM_000355.4 (MANE Select); coding-DNA position 565, G replaced by A.
Protein change: p.Gly189Ser; replaces glycine 189 with serine.
Molecular consequence: missense variant.
Genome position (GRCh38, 1-based): chr22:30,614,486, G>A. VCF-style: chr22-30614486-G-A. GRCh37 (hg19) VCF-style: chr22-31010473-G-A.
Other names: c.484G>A, p.Gly162Ser (NM_001184726.2); short protein forms G162S, G189S.
Identifiers: ClinVar variation 2119538 (VCV002119538.1), dbSNP rs776417120, ClinGen allele CA411211040.
Genomic context (GRCh38, chr22:30,614,486, plus strand): 5'-AAGCGGGTCCATGACAGCGTGGTGGACAAACTTCTGTATGCTGTGGAACCTTTCCACCAG[G>A]GCCACCATTCTGTGGGTGAGTAGGTCAGACCGTGCCAAGGCCAGGCTGGCACTCCCTCAG-3'
Protein context (NP_000346.2, residues 179-199): LLYAVEPFHQ[Gly189Ser]HHSVDTAAMA

ClinVar aggregate classification (germline): Uncertain significance (1 of 4 stars; one submission).

Conditions:
Transcobalamin II deficiency (TCN2D). Also called: Transcolabamin II deficiency; TC II DEFICIENCY; TCN2 DEFICIENCY. Identifiers: Orphanet 859, MedGen C0342701, MONDO:0010149, OMIM 275350.

Allele frequency attached by ClinVar (database versions not stated): gnomAD 0.00001.
gnomAD v4.1: 1 of 1,614,140 alleles (0.000062%); highest among the groups gnomAD compares: Middle Eastern, 0.016%; no homozygotes.

Submission:

Labcorp Genetics (formerly Invitae), Labcorp
Classification: Uncertain significance for Transcobalamin II deficiency. Last evaluated: 2022-07-19. Review status: criteria provided, single submitter. Criteria: Invitae Variant Classification Sherloc (09022015). Collection method: clinical testing. Allele origin: germline.
Comment: This sequence change replaces glycine, which is neutral and non-polar, with serine, which is neutral and polar, at codon 189 of the TCN2 protein (p.Gly189Ser). This variant is not present in population databases (gnomAD no frequency). This variant has not been reported in the literature in individuals affected with TCN2-related conditions. Algorithms developed to predict the effect of missense changes on protein structure and function output the following: SIFT: "Tolerated"; PolyPhen-2: "Benign"; Align-GVGD: "Class C0". The serine amino acid residue is found in multiple mammalian species, which suggests that this missense change does not adversely affect protein function. In summary, the available evidence is currently insufficient to determine the role of this variant in disease. Therefore, it has been classified as a Variant of Uncertain Significance.